The following is an entry in ClinVar:

NM_001378615.1(CC2D2A):c.2923-141C>T

Genes: CC2D2A (coiled-coil and C2 domain containing 2A; plus strand), FBXL5 (F-box and leucine rich repeat protein 5; minus strand). Cytogenetic location: 4p15.32.
Variant type: single nucleotide variant.
Coding change: c.2923-141C>T on transcript NM_001378615.1 (MANE Select); 141 bases into the intron before coding-DNA position 2923, C replaced by T.
Molecular consequence: intron variant.
Genome position (GRCh38, 1-based): chr4:15,560,390, C>T. VCF-style: chr4-15560390-C-T. GRCh37 (hg19) VCF-style: chr4-15562013-C-T.
Other names: c.2923-141C>T (NM_001080522.2); c.2776-141C>T (NM_001378617.1).
Identifiers: ClinVar variation 672377 (VCV000672377.2), dbSNP rs17476879, ClinGen allele CA15312169.
Genomic context (GRCh38, chr4:15,560,390, plus strand): 5'-TGACTTTAGGGAGCTTACAGTCTAGTACAGAAAGCTAGAGGGTTTACAGCAAGAGGAGAC[C>T]AGCATTGCAGAGGAAAGTAACAGTTGGGCTGGAGGACTGGGGGGACACTGAGATGACATT-3'

ClinVar aggregate classification (germline): Benign. Review status: criteria provided, multiple submitters, no conflicts (2 of 4 stars). 2 submissions from 2 submitters: Benign (2). Last evaluated 2018-06-14.

Allele frequency attached by ClinVar (database versions not stated): 1000 Genomes Project 30x 0.05637; 1000 Genomes Project 0.05651; TOPMed 0.08800; gnomAD 0.08856 and 0.08926; gnomAD exomes 0.10772.
gnomAD v4.1: 54,757 of 537,310 alleles (10%); highest among the groups gnomAD compares: Non-Finnish European, 12%; 3,230 homozygotes.

Submissions (2):

GeneDx
Classification: Benign. Last evaluated: 2018-06-14. Review status: criteria provided, single submitter. Criteria: GeneDx Variant Classification (06012015). Collection method: clinical testing. Allele origin: germline. Affected: yes.
Comment: This variant is considered likely benign or benign based on one or more of the following criteria: it is a conservative change, it occurs at a poorly conserved position in the protein, it is predicted to be benign by multiple in silico algorithms, and/or has population frequency not consistent with disease.

Breakthrough Genomics
Classification: Benign. Review status: criteria provided, single submitter. Criteria: ACMG Guidelines, 2015. Collection method: not provided. Allele origin: germline. Inheritance: Autosomal recessive inheritance. Affected: yes.